The following is an entry in ClinVar:

ClinVar aggregate classification (germline): Uncertain significance (1 of 4 stars; one submission).

gnomAD v4.1: 1 of 1,611,488 alleles (0.000062%); highest among the groups gnomAD compares: Non-Finnish European, 0.000085%; no homozygotes.

Submission:

Women's Health and Genetics/Laboratory Corporation of America, LabCorp
Classification: Uncertain significance. Last evaluated: 2025-01-20. Review status: criteria provided, single submitter. Criteria: LabCorp Variant Classification Summary - May 2015. Collection method: clinical testing. Allele origin: germline.
Comment: Variant summary: CERT1 c.2133G>T (p.Val711Val) alters a conserved nucleotide located close to a canonical splice site and therefore could affect mRNA splicing, leading to a significantly altered protein sequence. Consensus agreement among computation tools predict no significant impact on normal splicing. However, these predictions have yet to be confirmed by functional studies. The variant allele was found at a frequency of 6.2e-07 in 1611488 control chromosomes. The available data on variant occurrences in the general population are insufficient to allow any conclusion about variant significance. To our knowledge, no occurrence of c.2133G>T in individuals affected with Intellectual Disability, Autosomal Dominant 34 and no experimental evidence demonstrating its impact on protein function have been reported. No submitters have cited clinical-significance assessments for this variant to ClinVar. Based on the evidence outlined above, the variant was classified as uncertain significance.

NM_001379029.1(CERT1):c.1749G>T (p.Val583=)

Gene: CERT1 (ceramide transporter 1; minus strand). Cytogenetic location: 5q13.3.
Variant type: single nucleotide variant.
Coding change: c.1749G>T on transcript NM_001379029.1 (MANE Select); coding-DNA position 1749, G replaced by T.
Protein change: p.Val583=; no amino-acid change (valine 583 retained).
Molecular consequence: synonymous variant. On other transcripts: intron variant (1).
Genome position (GRCh38, 1-based): chr5:75,379,472, C>A on the plus strand (G>T on the coding strand, the complement: CERT1 is on the minus strand). VCF-style: chr5-75379472-C-A. GRCh37 (hg19) VCF-style: chr5-74675297-C-A.
Other names: c.2133G>T, p.Val711= (NM_001130105.1); c.1749G>T, p.Val583= (NM_001379002.1, NM_005713.3); c.1671G>T, p.Val557= (NM_001379003.1, NM_031361.3); c.1669+1600G>T (NM_001379004.1).
Identifiers: ClinVar variation 3769512 (VCV003769512.2).